The following is an entry in ClinVar:

GRCh37/hg19 15q11.2-13.2(chr15:22770422-31073736)x4

Genes: APBA2 (amyloid beta precursor protein binding family A member 2; plus strand), ARHGAP11B (Rho GTPase activating protein 11B), ATP10A (ATPase phospholipid transporting 10A (putative); minus strand), CHRFAM7A (CHRNA7 (exons 5-10) and FAM7A (exons A-E) fusion; minus strand), CYFIP1 (cytoplasmic FMR1 interacting protein 1; minus strand) and 32 more. Cytogenetic location: 15q11.2-13.2.
Variant type: copy number gain.
Change: copy number 4 of chr15:22,770,422-31,073,736 (8.30 Mb, GRCh37 coordinates, 1-based), cytogenetic band 15q11.2-13.2.
Identifiers: ClinVar variation 4682870 (VCV004682870.1).

ClinVar aggregate classification (germline): Pathogenic (1 of 4 stars; one submission).

Submission:

Quest Diagnostics Nichols Institute San Juan Capistrano
Classification: Pathogenic. Last evaluated: 2025-05-05. Review status: criteria provided, single submitter. Criteria: ACMG/ClinGen CNV Guidelines, 2019. Collection method: clinical testing. Allele origin: unknown.
Comment: This 15q11.2q13.2 triplication involves multiple protein-coding genes and is consistent with the recurrent region (BP2-BP3) associated with chromosome 15q11q13 microduplication syndrome (OMIM 608636; ISCA-37404; Lusk 2021, Isles 2016, Kalsner 2015, Song 2022). Thus, this CNV is classified as pathogenic. References: Isles et al., PLoS Genet. 2016 May 6;12(5):e1005993. PMID: 27153221 Kalsner et al., Pediatr Clin North Am. 2015 Jun;62(3):587-606. PMID: 26022164 Lusk et al. Maternal 15q Duplication Syndrome. GeneReviews [updated 2021 Jul 15]. PMID: 27308687 Song et al., Taiwan J Obstet Gynecol. 2022 Jul;61(4):717-721. PMID: 35779929